The following is an entry in ClinVar:

NM_181703.4(GJA5):c.793C>T (p.Pro265Ser)

Genes: GJA5 (gap junction protein alpha 5; minus strand), LOC122128420 (Sharpr-MPRA regulatory region 3144; plus strand). Cytogenetic location: 1q21.2.
Variant type: single nucleotide variant.
Coding change: c.793C>T on transcript NM_181703.4 (MANE Select); coding-DNA position 793, C replaced by T.
Protein change: p.Pro265Ser; replaces proline 265 with serine.
Molecular consequence: missense variant.
Genome position (GRCh38, 1-based): chr1:147,758,446, G>A on the plus strand (C>T on the coding strand, the complement: GJA5 is on the minus strand). VCF-style: chr1-147758446-G-A. GRCh37 (hg19) VCF-style: chr1-147230554-G-A.
Other names: c.793C>T, p.Pro265Ser (NM_005266.7); c.793C>T (NM_005266.5); short protein forms P265S.
Identifiers: ClinVar variation 648482 (VCV000648482.17), dbSNP rs148311482, ClinGen allele CA1065706.
Genomic context (GRCh38, chr1:147,758,446, plus strand): 5'-TGCTGAAGGGATTGAAGAATTTTCCCCCAGGGCCATTCTCCAGGCACTGATTAAAGTCGG[G>A]GGGTGGTGTGCAGCTCTGGACTATGCCCACAGAGGGGCCAGAAAGCTGGCACTTAGCCAT-3'
Protein context (NP_859054.1, residues 255-275): VGIVQSCTPP[Pro265Ser]DFNQCLENGP

ClinVar aggregate classification (germline): Uncertain significance. Review status: criteria provided, multiple submitters, no conflicts (2 of 4 stars). 6 submissions from 6 submitters: Uncertain significance (4). 2 of the submissions do not count toward it. Last evaluated 2026-05-28.

Conditions:
Atrial fibrillation, familial, 11 (ATFB11). Identifiers: MedGen C3279693, MONDO:0013544, OMIM 614049.
Atrial standstill 1 (ATRST1). Also called: Atrial standstill, digenic (GJA5/SCN5A); ATRIAL CARDIOMYOPATHY WITH HEART BLOCK; CARDIOMYOPATHY, FAMILIAL, WITH CONDUCTION DISTURBANCE. Identifiers: Orphanet 1344, MedGen C4551959, MONDO:0007171, OMIM 108770.
GJA5-related disorder. Also called: GJA5-related condition.

Allele frequency attached by ClinVar (database versions not stated): gnomAD 0.00019 and 0.00021; gnomAD exomes 0.00021 and 0.00028; ExAC 0.00022; ESP Exome Variant Server 0.00023; TOPMed 0.00025; 1000 Genomes Project 0.00080; 1000 Genomes Project 30x 0.00094.
gnomAD v4.1: 432 of 1,614,186 alleles (0.027%); highest among the groups gnomAD compares: Admixed American, 0.043%; no homozygotes.

Submissions (6):

GeneDx
Classification: Uncertain significance. Last evaluated: 2026-05-28. Review status: criteria provided, single submitter. Criteria: GeneDx Variant Classification Process June 2021. Collection method: clinical testing. Allele origin: germline.
Comment: Reported in two patients with Tetralogy of Fallot in published literature (PMID: 22713807); Published functional studies suggest a damaging effect on protein function; additional studies are needed to validate the effect of this variant (PMID: 22713807); In silico analysis supports that this missense variant has a deleterious effect on protein structure/function; This variant is associated with the following publications: (PMID: 22713807)

Labcorp Genetics (formerly Invitae), Labcorp
Classification: Uncertain significance for Atrial fibrillation, familial, 11; Atrial standstill 1. Last evaluated: 2026-01-27. Review status: criteria provided, single submitter. Criteria: Invitae Variant Classification Sherloc (09022015). Collection method: clinical testing. Allele origin: germline.
Comment: This sequence change replaces proline, which is neutral and non-polar, with serine, which is neutral and polar, at codon 265 of the GJA5 protein (p.Pro265Ser). This variant is present in population databases (rs148311482, gnomAD 0.05%), and has an allele count higher than expected for a pathogenic variant. This missense change has been observed in individual(s) with tetralogy of Fallot (PMID: 22713807). ClinVar contains an entry for this variant (Variation ID: 648482). Invitae Evidence Modeling of protein sequence and biophysical properties (such as structural, functional, and spatial information, amino acid conservation, physicochemical variation, residue mobility, and thermodynamic stability) indicates that this missense variant is not expected to disrupt GJA5 protein function with a negative predictive value of 80%. Experimental studies have shown that this missense change affects GJA5 function (PMID: 22713807). In summary, the available evidence is currently insufficient to determine the role of this variant in disease. Therefore, it has been classified as a Variant of Uncertain Significance.

PreventionGenetics, part of Exact Sciences
Classification: Uncertain significance for GJA5-related condition. Last evaluated: 2025-07-18. Review status: criteria provided, single submitter. Criteria: ACMG Guidelines, 2015. Collection method: clinical testing. Allele origin: germline.
Comment: The GJA5 c.793C>T variant is predicted to result in the amino acid substitution p.Pro265Ser. This variant has been reported in two unrelated individuals with tetralogy of Fallot (Guida et al. 2013. PubMed ID: 22713807), as well as in an individual with Brugada syndrome who also carried additional cardiac variants (Peeters et al. 2015. PubMed ID: 26179811). Functional studies suggest the variant impairs protein function (Guida et al. 2013. PubMed ID: 22713807). This variant is reported in 0.048% of alleles in individuals of Latino descent in gnomAD and is interpreted as uncertain in ClinVar. At this time, the clinical significance of this variant is uncertain due to the absence of conclusive functional and genetic evidence.

Women's Health and Genetics/Laboratory Corporation of America, LabCorp
Classification: Uncertain significance. Last evaluated: 2025-01-13. Review status: criteria provided, single submitter. Criteria: LabCorp Variant Classification Summary - May 2015. Collection method: clinical testing. Allele origin: germline.
Comment: Variant summary: GJA5 c.793C>T (p.Pro265Ser) results in a non-conservative amino acid change located in the connexin 40 C-terminal domain (IPR031862) of the encoded protein sequence. Three of five in-silico tools predict a benign effect of the variant on protein function. The variant allele was found at a frequency of 0.00021 in 251284 control chromosomes, predominantly at a frequency of 0.00043 within the Latino subpopulation in the gnomAD database. The observed variant frequency within Latino control individuals in the gnomAD database is approximately 13.76 fold of the estimated maximal expected allele frequency for a pathogenic variant in GJA5 causing Atrial Fibrillation phenotype (3.1e-05). c.793C>T has been reported in the literature in individuals affected with tetralogy of Fallot, pulmonary atresia, Brugada syndrome, and progressive cardiac conduction disease (e.g., Daumy_2016, Guida_2013, LeScouarnec_2015, Peeters_2015). These data indicate that the variant may be associated with disease. At least one publication reports experimental evidence evaluating an impact on protein function (e.g., Guida_2013). Experiments demonstrated that this variant lowered functional intercellular transfer to nearly 50% compared to wild type in dye transfer studies, and protein localization studies demonsrated that cells expressing this variant formed sparse or no visible gap-junction plaques compared to controls. Another experiment showed that this variant appeared to disrupt normal heart morphology compared to wild type in a zebrafish embryo model system. The following publications have been ascertained in the context of this evaluation (PMID: 26820365, 22713807, 25650408, 26179811). A ClinVar contains an entry for this variant (Variation ID: 648482). Based on the evidence outlined above, the variant was classified as VUS-possibly benign.

Clinical Genetics, Academic Medical Center
Classification: Uncertain significance. Review status: no assertion criteria provided. Collection method: clinical testing. Allele origin: germline. Affected: yes. Study: VKGL Data-share Consensus. Not counted in ClinVar's aggregate classification.

Joint Genome Diagnostic Labs from Nijmegen and Maastricht, Radboudumc and MUMC+
Classification: Uncertain significance. Review status: no assertion criteria provided. Collection method: clinical testing. Allele origin: germline. Affected: yes. Study: VKGL Data-share Consensus. Not counted in ClinVar's aggregate classification.

Literature cited by the submitters: PubMed 22713807 (cited by Labcorp Genetics (formerly Invitae), Labcorp and Women's Health and Genetics/Laboratory Corporation of America, LabCorp); PubMed 25650408 (cited by Women's Health and Genetics/Laboratory Corporation of America, LabCorp); PubMed 26179811 (cited by Women's Health and Genetics/Laboratory Corporation of America, LabCorp); PubMed 26820365 (cited by Women's Health and Genetics/Laboratory Corporation of America, LabCorp).